The following is an entry in ClinVar:

NM_001267550.2(TTN):c.72630A>G (p.Glu24210=)

Genes: TTN (titin; minus strand), TTN-AS1 (TTN antisense RNA 1; plus strand). Cytogenetic location: 2q31.2.
Variant type: single nucleotide variant.
Coding change: c.72630A>G on transcript NM_001267550.2 (MANE Select); coding-DNA position 72630, A replaced by G.
Protein change: p.Glu24210=; no amino-acid change (glutamic acid 24210 retained).
Molecular consequence: synonymous variant.
Genome position (GRCh38, 1-based): chr2:178,573,502, T>C on the plus strand (A>G on the coding strand, the complement: TTN is on the minus strand). VCF-style: chr2-178573502-T-C. GRCh37 (hg19) VCF-style: chr2-179438229-T-C.
Other names: c.67707A>G, p.Glu22569= (NM_001256850.1); c.45435A>G, p.Glu15145= (NM_003319.4); c.64926A>G, p.Glu21642= (NM_133378.4); c.45810A>G, p.Glu15270= (NM_133432.3); c.46011A>G, p.Glu15337= (NM_133437.4).
Identifiers: ClinVar variation 598551 (VCV000598551.11), dbSNP rs1384344292, ClinGen allele CA430256672.

ClinVar aggregate classification (germline): Conflicting classifications of pathogenicity. Review status: criteria provided, conflicting classifications (1 of 4 stars). 4 submissions from 4 submitters: Uncertain significance (1); Likely benign (3). Last evaluated 2026-08-01.

Conditions:
Cardiovascular phenotype. Identifiers: MedGen CN230736.
Dilated cardiomyopathy 1G (CMD1G). Identifiers: Orphanet 154, MedGen C1858763, MONDO:0011400, OMIM 604145.
Autosomal recessive limb-girdle muscular dystrophy type 2J (LGMDR10). Also called: Limb-girdle muscular dystrophy, type 2J; MUSCULAR DYSTROPHY, LIMB-GIRDLE, AUTOSOMAL RECESSIVE 10. Identifiers: Orphanet 140922, MedGen C1837342, MONDO:0012127, OMIM 608807.

Allele frequency attached by ClinVar (database versions not stated): TOPMed 0.00001; gnomAD exomes below 0.00001 and 0.00001; gnomAD 0.00001.
gnomAD v4.1: 5 of 1,498,374 alleles (0.00033%); highest among the groups gnomAD compares: Non-Finnish European, 0.00044%; no homozygotes.

Submissions (4):

CeGaT Center for Human Genetics Tuebingen
Classification: Likely benign. Last evaluated: 2026-08-01. Review status: criteria provided, single submitter. Criteria: CeGaT Center For Human Genetics Tuebingen Variant Classification Criteria Version 2. Collection method: clinical testing. Allele origin: germline. Affected: yes. Observed: 1 variant allele.
Comment: TTN: BP4, BP7

Labcorp Genetics (formerly Invitae), Labcorp
Classification: Likely benign for Dilated cardiomyopathy 1G; Autosomal recessive limb-girdle muscular dystrophy type 2J. Last evaluated: 2025-10-02. Review status: criteria provided, single submitter. Criteria: Invitae Variant Classification Sherloc (09022015). Collection method: clinical testing. Allele origin: germline.

Ambry Genetics
Classification: Likely benign for Cardiovascular phenotype. Last evaluated: 2023-12-25. Review status: criteria provided, single submitter. Criteria: Ambry Variant Classification Scheme 2023. Collection method: clinical testing. Allele origin: germline.

Eurofins Ntd Llc (ga)
Classification: Uncertain significance. Last evaluated: 2018-08-29. Review status: criteria provided, single submitter. Criteria: EGL ClinVar v180209 classification definitions. Collection method: clinical testing. Allele origin: germline. Observed: 1 variant allele, 1 heterozygote.